The following is an entry in ClinVar:

NM_000059.4(BRCA2):c.9063_9078del (p.Glu3021fs)

Gene: BRCA2 (BRCA2 DNA repair associated; plus strand). Cytogenetic location: 13q13.1.
Variant type: Deletion.
Coding change: c.9063_9078del on transcript NM_000059.4 (MANE Select); coding-DNA positions 9063 to 9078, 16 bases deleted (AAGAGCTAACATACAG).
Protein change: p.Glu3021fs; shifts the reading frame from glutamic acid 3021.
Molecular consequence: frameshift variant.
Genome position (GRCh38, 1-based): chr13:32,379,859-32,379,874, AAGAGCTAACATACAG deleted. VCF-style (leftmost placement, unchanged base first): chr13-32379858-AAAGAGCTAACATACAG-A. GRCh37 (hg19) VCF-style: chr13-32953995-AAAGAGCTAACATACAG-A.
Other names: c.9063_9078delAAGAGCTAACATACAG (NM_000059.3); c.9063_9078del16 (NM_000059.3).
Identifiers: ClinVar variation 52738 (VCV000052738.5), dbSNP rs397508032, ClinGen allele CA025954.

ClinVar aggregate classification (germline): Pathogenic. Review status: reviewed by expert panel (3 of 4 stars). 2 submissions from 2 submitters: Pathogenic (1). 1 of the submissions does not count toward it. Last evaluated 2016-09-08.

Conditions:
Breast-ovarian cancer, familial, susceptibility to, 2 (BROVCA2). Also called: BRCA2 Hereditary Breast and Ovarian Cancer. Identifiers: Orphanet 145, MedGen C2675520, MONDO:0012933, OMIM 612555. Disease mechanism: loss of function.

Allele frequency attached by ClinVar (database versions not stated): gnomAD 0.00001.

Submissions (2):

Evidence-based Network for the Interpretation of Germline Mutant Alleles (ENIGMA)
Classification: Pathogenic for Breast-ovarian cancer, familial, susceptibility to, 2. Last evaluated: 2016-09-08. Review status: reviewed by expert panel. Criteria: ENIGMA BRCA1/2 Classification Criteria (2015). Collection method: curation. Allele origin: germline.
Comment: Variant allele predicted to encode a truncated non-functional protein.

Consortium of Investigators of Modifiers of BRCA1/2 (CIMBA), c/o University of Cambridge
Classification: Pathogenic for Breast-ovarian cancer, familial, susceptibility to, 2. Last evaluated: 2015-10-02. Review status: criteria provided, single submitter. Criteria: CIMBA Mutation Classification guidelines May 2016. Collection method: clinical testing. Allele origin: germline. Not counted in ClinVar's aggregate classification.